The following is an entry in ClinVar:

NM_000277.3(PAH):c.1A>G (p.Met1Val)

Gene: PAH (phenylalanine hydroxylase; minus strand). Cytogenetic location: 12q23.2.
Variant type: single nucleotide variant.
Coding change: c.1A>G on transcript NM_000277.3 (MANE Select); coding-DNA position 1, A replaced by G.
Protein change: p.Met1Val; changes the start codon (methionine 1).
Molecular consequence: missense variant, initiator codon variant.
Genome position (GRCh38, 1-based): chr12:102,917,130, T>C on the plus strand (A>G on the coding strand, the complement: PAH is on the minus strand). VCF-style: chr12-102917130-T-C. GRCh37 (hg19) VCF-style: chr12-103310908-T-C.
Other names: NM_000277.2(PAH):c.1A>G; c.1A>G, p.Met1Val (NM_001354304.2); short protein forms M1V.
Identifiers: ClinVar variation 586 (VCV000000586.100), dbSNP rs62514891, ClinGen allele CA114360.

ClinVar aggregate classification (germline): Pathogenic. Review status: reviewed by expert panel (3 of 4 stars). 12 submissions from 11 submitters: Pathogenic (1). 11 of the submissions do not count toward it. Last evaluated 2018-08-07.

Conditions:
PAH-related disorder. Also called: PAH-related condition.
Phenylketonuria (PKU). Also called: FOLLING DISEASE; Phenylketonurias; Phenylketonuria (PKU); OLIGOPHRENIA PHENYLPYRUVICA. Identifiers: Orphanet 716, MedGen C0031485, MONDO:0009861, OMIM 261600. Disease mechanism: loss of function.
Hyperphenylalaninemia. Also called: Hyperphenylalaninemia (HPA); Hyperphenylalaninemia, non-pku; Hyperphenylalaninaemia. Identifiers: MedGen C0751435, HP:0004923.

Allele frequency attached by ClinVar (database versions not stated): ExAC 0.00001; gnomAD exomes 0.00001.

Submissions (12):

ClinGen PAH Variant Curation Expert Panel
Classification: Pathogenic for Phenylketonuria. Last evaluated: 2018-08-07. Review status: reviewed by expert panel. Criteria: ClinGen PAH ACMG Specifications v1. Collection method: curation. Allele origin: germline. Inheritance: Autosomal recessive inheritance.
Comment: PAH-specific ACMG/AMP criteria applied: PVS1: Initiation codon variant; PM2: gnomAD MAF=0.00002; PP4_Moderate: Seen in PKU patients. BH4 disorders ruled out. (PMID:2574002); PS3: <3% (PMID:9450897). In summary this variant meets criteria to be classified as pathogenic for phenylketonuria in an autosomal recessive manner based on the ACMG/AMP criteria applied as specified by the PAH Expert Panel: (PVS1, PM2, PP4_Moderate, PS3).

Labcorp Genetics (formerly Invitae), Labcorp
Classification: Pathogenic for Phenylketonuria. Last evaluated: 2025-06-10. Review status: criteria provided, single submitter. Criteria: Invitae Variant Classification Sherloc (09022015). Collection method: clinical testing. Allele origin: germline. Not counted in ClinVar's aggregate classification.
Comment: This sequence change affects the initiator codon of the PAH mRNA. This change may impact translation initiation or efficiency. The next in-frame methionine is located at codon 180. This variant is present in population databases (rs62514891, gnomAD 0.002%). Disruption of the initiator codon has been observed in individual(s) with clinical features of PAH-related conditions (PMID: 1301193, 2574002, 24941924, 26666653; internal data). ClinVar contains an entry for this variant (Variation ID: 586). Algorithms developed to predict the effect of variants on gene product structure and function are not available or were not evaluated for this variant. Experimental studies have shown that disruption of the initiator codon affects PAH function (PMID: 1301201). For these reasons, this variant has been classified as Pathogenic.

Blueprint Genetics
Classification: Pathogenic for PAH-related disorders. Last evaluated: 2023-04-26. Review status: criteria provided, single submitter. Criteria: ACMG Guidelines, 2015. Collection method: clinical testing. Allele origin: germline. Affected: yes. Observed: 2 variant alleles. Not counted in ClinVar's aggregate classification.

GeneDx
Classification: Pathogenic. Last evaluated: 2020-01-06. Review status: criteria provided, single submitter. Criteria: GeneDx Variant Classification Process June 2021. Collection method: clinical testing. Allele origin: germline. Affected: yes. Not counted in ClinVar's aggregate classification.
Comment: Seen in a patient with classic PKU in the presence of a second pathogenic variant in PAH and BH4 responsiveness was unknown (Jeannesson-Thivisol et al., 2015); In vitro functional studies demonstrate a damaging effect of c.1A>G on enzyme activity (John et al., 1992); Initiation codon variant in a gene for which loss-of-function is a known mechanism of disease; Not observed at a significant frequency in large population cohorts (Lek et al., 2016); This variant is associated with the following publications: (PMID: 32668217, 26666653, 1301201, 2574002, 1609797, 17924342, 9634518, 9450897, 9781015)

Women's Health and Genetics/Laboratory Corporation of America, LabCorp
Classification: Pathogenic for Phenylketonuria. Last evaluated: 2017-04-24. Review status: criteria provided, single submitter. Criteria: LabCorp Variant Classification Summary - May 2015. Collection method: clinical testing. Allele origin: germline. Not counted in ClinVar's aggregate classification.
Comment: Variant summary: The PAH c.1A>G (p.Met1Val) variant involves the alteration of a conserved nucleotide at the translation start site and 3/4 in silico tools predict damaging outcome (SNPs&GO not captured here due to low reliability index value). A functional study showed that the variant leads to non-detectable PAH protein expression and enzymatic activity (John_1992). This variant was found in 1/121238 control chromosomes from ExAC at a frequency of 0.0000082, which does not exceed the estimated maximal expected allele frequency of a pathogenic PAH variant (0.0079057). Multiple publications have cited this variant in patients with PKU in homozygous as well as compound heterozygous state (John_1989, John_1992, Lyonnet_1992, Carter_1998, Jeannesson-Thivisol_2915). The patients were of French Canadian/French descent and founder effect due to this variant was indicated in this population. In addition, multiple clinical diagnostic laboratories/reputable databases have classified this variant as "likely pathogenic/pathogenic." Taken together, this variant is classified as pathogenic.

Eurofins Ntd Llc (ga)
Classification: Pathogenic. Last evaluated: 2015-09-29. Review status: criteria provided, single submitter. Criteria: EGL Classification Definitions 2015. Collection method: clinical testing. Allele origin: germline. Observed: 1 variant allele, 1 heterozygote. Not counted in ClinVar's aggregate classification.

Clinical Genetics Service, Universitary Hospital 12 de Octubre
Classification: Pathogenic for Phenylketonuria. Review status: criteria provided, single submitter. Criteria: ACMG Guidelines, 2015. Collection method: clinical testing. Allele origin: paternal. Affected: yes. Not counted in ClinVar's aggregate classification.

Natera, Inc.
Classification: Pathogenic for Phenylketonuria. Last evaluated: 2020-09-16. Review status: no assertion criteria provided. Collection method: clinical testing. Allele origin: germline. Not counted in ClinVar's aggregate classification.

Counsyl
Classification: Likely pathogenic for Phenylketonuria. Last evaluated: 2014-12-17. Review status: no assertion criteria provided. Collection method: literature only. Allele origin: unknown. Inheritance: Autosomal recessive inheritance. Not counted in ClinVar's aggregate classification.

OMIM
Classification: Pathogenic for PHENYLKETONURIA. Last evaluated: 1992-07-01. Review status: no assertion criteria provided. Collection method: literature only. Allele origin: germline. Not counted in ClinVar's aggregate classification.

OMIM
Classification: Pathogenic for HYPERPHENYLALANINEMIA, NON-PKU. Last evaluated: 1992-07-01. Review status: no assertion criteria provided. Collection method: literature only. Allele origin: germline. Not counted in ClinVar's aggregate classification.

DeBelle Laboratory for Biochemical Genetics, MUHC/MCH RESEARCH INSTITUTE
No classification provided. Review status: no classification provided. Collection method: not provided. Allele origin: not provided. Not counted in ClinVar's aggregate classification.

Literature cited by the submitters: PubMed 2574002 (cited by 4 submitters); PubMed 9450897 (cited by ClinGen PAH Variant Curation Expert Panel); PubMed 1301193 (cited by 3 submitters); PubMed 24941924 (cited by Labcorp Genetics (formerly Invitae), Labcorp); PubMed 26666653 (cited by Labcorp Genetics (formerly Invitae), Labcorp and Women's Health and Genetics/Laboratory Corporation of America, LabCorp); PubMed 1301201 (cited by 3 submitters); PubMed 9781015 (cited by Women's Health and Genetics/Laboratory Corporation of America, LabCorp and Counsyl); PubMed 17924342 (cited by Counsyl); PubMed 9634518 (cited by Counsyl); PubMed 1609797 (cited by OMIM).